The following is an entry in ClinVar:

ClinVar aggregate classification (germline): Uncertain significance (1 of 4 stars; one submission).

Submission:

GeneDx
Classification: Uncertain significance. Last evaluated: 2025-06-28. Review status: criteria provided, single submitter. Criteria: GeneDx Variant Classification Process June 2021. Collection method: clinical testing. Allele origin: germline. Affected: yes.
Comment: Not observed at significant frequency in large population cohorts (gnomAD); In silico analysis suggests that this missense variant does not alter protein structure/function; Has not been previously published as pathogenic or benign to our knowledge

NM_006565.4(CTCF):c.1063A>G (p.Met355Val)

Gene: CTCF (CCCTC-binding factor; plus strand). Cytogenetic location: 16q22.1.
Variant type: single nucleotide variant.
Coding change: c.1063A>G on transcript NM_006565.4 (MANE Select); coding-DNA position 1063, A replaced by G.
Protein change: p.Met355Val; replaces methionine 355 with valine.
Molecular consequence: missense variant.
Genome position (GRCh38, 1-based): chr16:67,616,855, A>G. VCF-style: chr16-67616855-A-G. GRCh37 (hg19) VCF-style: chr16-67650758-A-G.
Other names: c.79A>G, p.Met27Val (NM_001191022.2); c.1063A>G, p.Met355Val (NM_001363916.2, NM_001438968.1, NM_001438969.1); short protein forms M27V, M355V.
Identifiers: ClinVar variation 4540035 (VCV004540035.1).